The following is an entry in ClinVar:

NM_206933.4(USH2A):c.3840G>A (p.Met1280Ile)

Genes: USH2A (usherin; minus strand), USH2A-AS1 (USH2A antisense RNA 1; plus strand). Cytogenetic location: 1q41.
Variant type: single nucleotide variant.
Coding change: c.3840G>A on transcript NM_206933.4 (MANE Select); coding-DNA position 3840, G replaced by A.
Protein change: p.Met1280Ile; replaces methionine 1280 with isoleucine.
Molecular consequence: missense variant.
Genome position (GRCh38, 1-based): chr1:216,198,556, C>T on the plus strand (G>A on the coding strand, the complement: USH2A is on the minus strand). VCF-style: chr1-216198556-C-T. GRCh37 (hg19) VCF-style: chr1-216371898-C-T.
Other names: c.3840G>A, p.Met1280Ile (NM_007123.6); short protein forms M1280I.
Identifiers: ClinVar variation 2103507 (VCV002103507.4), dbSNP rs2528042091, ClinGen allele CA344867356.

ClinVar aggregate classification (germline): Uncertain significance (1 of 4 stars; one submission).

Submission:

Labcorp Genetics (formerly Invitae), Labcorp
Classification: Uncertain significance. Last evaluated: 2022-02-25. Review status: criteria provided, single submitter. Criteria: Invitae Variant Classification Sherloc (09022015). Collection method: clinical testing. Allele origin: germline.
Comment: In summary, the available evidence is currently insufficient to determine the role of this variant in disease. Therefore, it has been classified as a Variant of Uncertain Significance. Algorithms developed to predict the effect of missense changes on protein structure and function are either unavailable or do not agree on the potential impact of this missense change (SIFT: "Deleterious"; PolyPhen-2: "Benign"; Align-GVGD: "Class C0"). This missense change has been observed in individual(s) with Usher syndrome (PMID: 31998945). This variant is not present in population databases (gnomAD no frequency). This sequence change replaces methionine, which is neutral and non-polar, with isoleucine, which is neutral and non-polar, at codon 1280 of the USH2A protein (p.Met1280Ile).

Literature cited by the submitters: PubMed 31998945.